The following is an entry in ClinVar:

ClinVar aggregate classification (germline): Uncertain significance (1 of 4 stars; one submission).

Conditions:
Niemann-Pick disease, type C1. Also called: NEUROVISCERAL STORAGE DISEASE WITH VERTICAL SUPRANUCLEAR OPHTHALMOPLEGIA; NIEMANN-PICK DISEASE WITH CHOLESTEROL ESTERIFICATION BLOCK; NIEMANN-PICK DISEASE WITHOUT SPHINGOMYELINASE DEFICIENCY; NIEMANN-PICK DISEASE, CHRONIC NEURONOPATHIC FORM; NIEMANN-PICK DISEASE, VARIANT TYPE C1. Identifiers: Orphanet 646, MedGen C3179455, MONDO:0009757, OMIM 257220.

Submission:

Myriad Genetics, Inc.
Classification: Uncertain significance for Niemann-Pick disease, type C1. Last evaluated: 2025-09-30. Review status: criteria provided, single submitter. Criteria: Myriad Autosomal Dominant, Autosomal Recessive and X-Linked Classification Criteria (2023). Collection method: clinical testing. Allele origin: unknown.
Comment: NM_000271.4(NPC1):c.284C>T(S95F) is a missense variant classified as a variant of uncertain significance in the context of Niemann-Pick disease type C1. S95F has been observed in a case with relevant disease (PMID: 27139891). Relevant functional assessments of this variant are not available in the literature. S95F has been observed in referenced population frequency databases. In summary, there is insufficient evidence to classify NM_000271.4(NPC1):c.284C>T(S95F) as pathogenic or benign. Please note: this variant was assessed in the context of healthy population screening.

Literature cited by the submitters: PubMed 27139891.

NM_000271.5(NPC1):c.284C>T (p.Ser95Phe)

Gene: NPC1 (NPC intracellular cholesterol transporter 1; minus strand). Cytogenetic location: 18q11.2.
Variant type: single nucleotide variant.
Coding change: c.284C>T on transcript NM_000271.5 (MANE Select); coding-DNA position 284, C replaced by T.
Protein change: p.Ser95Phe; replaces serine 95 with phenylalanine.
Molecular consequence: missense variant.
Genome position (GRCh38, 1-based): chr18:23,572,077, G>A on the plus strand (C>T on the coding strand, the complement: NPC1 is on the minus strand). VCF-style: chr18-23572077-G-A. GRCh37 (hg19) VCF-style: chr18-21152041-G-A.
Other names: short protein forms S95F.
Identifiers: ClinVar variation 5003543 (VCV005003543.1).